The following is an entry in ClinVar:

NM_016239.4(MYO15A):c.6644C>T (p.Ala2215Val)

Gene: MYO15A (myosin XVA; plus strand). Cytogenetic location: 17p11.2.
Variant type: single nucleotide variant.
Coding change: c.6644C>T on transcript NM_016239.4 (MANE Select); coding-DNA position 6644, C replaced by T.
Protein change: p.Ala2215Val; replaces alanine 2215 with valine.
Molecular consequence: missense variant.
Genome position (GRCh38, 1-based): chr17:18,148,163, C>T. VCF-style: chr17-18148163-C-T. GRCh37 (hg19) VCF-style: chr17-18051477-C-T.
Other names: short protein forms A2215V.
Identifiers: ClinVar variation 3603480 (VCV003603480.2).

ClinVar aggregate classification (germline): Uncertain significance (1 of 4 stars; one submission).

gnomAD v4.1: 11 of 1,613,826 alleles (0.00068%); highest among the groups gnomAD compares: African/African-American, 0.008%; no homozygotes.

Submission:

Labcorp Genetics (formerly Invitae), Labcorp
Classification: Uncertain significance. Last evaluated: 2024-10-03. Review status: criteria provided, single submitter. Criteria: Invitae Variant Classification Sherloc (09022015). Collection method: clinical testing. Allele origin: germline.
Comment: This sequence change replaces alanine, which is neutral and non-polar, with valine, which is neutral and non-polar, at codon 2215 of the MYO15A protein (p.Ala2215Val). This variant is present in population databases (rs576327621, gnomAD 0.03%). This variant has not been reported in the literature in individuals affected with MYO15A-related conditions. Invitae Evidence Modeling of protein sequence and biophysical properties (such as structural, functional, and spatial information, amino acid conservation, physicochemical variation, residue mobility, and thermodynamic stability) indicates that this missense variant is not expected to disrupt MYO15A protein function with a negative predictive value of 95%. In summary, the available evidence is currently insufficient to determine the role of this variant in disease. Therefore, it has been classified as a Variant of Uncertain Significance.